The following is an entry in ClinVar:

NM_000143.4(FH):c.1088C>G (p.Pro363Arg)

Gene: FH (fumarate hydratase; minus strand). Cytogenetic location: 1q43.
Variant type: single nucleotide variant.
Coding change: c.1088C>G on transcript NM_000143.4 (MANE Select); coding-DNA position 1088, C replaced by G.
Protein change: p.Pro363Arg; replaces proline 363 with arginine.
Molecular consequence: missense variant.
Genome position (GRCh38, 1-based): chr1:241,504,062, G>C on the plus strand (C>G on the coding strand, the complement: FH is on the minus strand). VCF-style: chr1-241504062-G-C. GRCh37 (hg19) VCF-style: chr1-241667362-G-C.
Other names: short protein forms P363R.
Identifiers: ClinVar variation 644222 (VCV000644222.11), dbSNP rs1483975363, ClinGen allele CA345437965.

ClinVar aggregate classification (germline): Uncertain significance. Review status: criteria provided, multiple submitters, no conflicts (2 of 4 stars). 3 submissions from 3 submitters: Uncertain significance (3). Last evaluated 2025-07-11.

Conditions:
FH-related disorder. Also called: FH-related disorders; FH-related condition.
Hereditary cancer-predisposing syndrome. Also called: Hereditary neoplastic syndrome; Hereditary Cancer Syndrome; Tumor predisposition; Neoplastic Syndromes, Hereditary. Identifiers: Orphanet 140162, MedGen C0027672, MeSH D009386, MONDO:0015356.

Allele frequency attached by ClinVar (database versions not stated): gnomAD exomes below 0.00001; gnomAD 0.00001.
gnomAD v4.1: 2 of 1,613,998 alleles (0.00012%); highest among the groups gnomAD compares: Non-Finnish European, 0.000085%; no homozygotes.

Submissions (3):

Ambry Genetics
Classification: Uncertain significance for Hereditary cancer-predisposing syndrome. Last evaluated: 2025-07-11. Review status: criteria provided, single submitter. Criteria: Ambry Variant Classification Scheme 2023. Collection method: clinical testing. Allele origin: germline.
Comment: The p.P363R variant (also known as c.1088C>G), located in coding exon 7 of the FH gene, results from a C to G substitution at nucleotide position 1088. The proline at codon 363 is replaced by arginine, an amino acid with dissimilar properties. This amino acid position is highly conserved in available vertebrate species. In addition, this alteration is predicted to be deleterious by in silico analysis. Based on the available evidence, the clinical significance of this variant remains unclear.

Labcorp Genetics (formerly Invitae), Labcorp
Classification: Uncertain significance. Last evaluated: 2025-06-11. Review status: criteria provided, single submitter. Criteria: Invitae Variant Classification Sherloc (09022015). Collection method: clinical testing. Allele origin: germline.
Comment: This sequence change replaces proline, which is neutral and non-polar, with arginine, which is basic and polar, at codon 363 of the FH protein (p.Pro363Arg). This variant is present in population databases (no rsID available, gnomAD 0.03%). This variant has not been reported in the literature in individuals affected with FH-related conditions. ClinVar contains an entry for this variant (Variation ID: 644222). Invitae Evidence Modeling of protein sequence and biophysical properties (such as structural, functional, and spatial information, amino acid conservation, physicochemical variation, residue mobility, and thermodynamic stability) indicates that this missense variant is expected to disrupt FH protein function with a positive predictive value of 95%. In summary, the available evidence is currently insufficient to determine the role of this variant in disease. Therefore, it has been classified as a Variant of Uncertain Significance.

PreventionGenetics, part of Exact Sciences
Classification: Uncertain significance for FH-related condition. Last evaluated: 2022-11-06. Review status: criteria provided, single submitter. Criteria: ACMG Guidelines, 2015. Collection method: clinical testing. Allele origin: germline.
Comment: The FH c.1088C>G variant is predicted to result in the amino acid substitution p.Pro363Arg. To our knowledge, this variant has not been reported in the literature. This variant is reported in 0.029% of alleles in individuals of European (Finnish) descent in gnomAD and is interpreted as uncertain significance in ClinVar. At this time, the clinical significance of this variant is uncertain due to the absence of conclusive functional and genetic evidence.